The following is an entry in ClinVar:

NM_012120.3(CD2AP):c.839A>G (p.Tyr280Cys)

Gene: CD2AP (CD2 associated protein; plus strand). Cytogenetic location: 6p12.3.
Variant type: single nucleotide variant.
Coding change: c.839A>G on transcript NM_012120.3 (MANE Select); coding-DNA position 839, A replaced by G.
Protein change: p.Tyr280Cys; replaces tyrosine 280 with cysteine.
Molecular consequence: missense variant.
Genome position (GRCh38, 1-based): chr6:47,577,039, A>G. VCF-style: chr6-47577039-A-G. GRCh37 (hg19) VCF-style: chr6-47544775-A-G.
Other names: short protein forms Y280C.
Identifiers: ClinVar variation 2211246 (VCV002211246.5), dbSNP rs765702919, ClinGen allele CA3844123.

ClinVar aggregate classification (germline): Uncertain significance. Review status: criteria provided, multiple submitters, no conflicts (2 of 4 stars). 2 submissions from 2 submitters: Uncertain significance (2). Last evaluated 2025-01-01.

Conditions:
Inborn genetic diseases. Identifiers: MedGen C0950123, MeSH D030342.

Allele frequency attached by ClinVar (database versions not stated): ExAC 0.00003; gnomAD 0.00003; TOPMed 0.00007.
gnomAD v4.1: 222 of 1,522,212 alleles (0.015%); highest among the groups gnomAD compares: Non-Finnish European, 0.02%; no homozygotes.

Submissions (2):

Ambry Genetics
Classification: Uncertain significance for Inborn genetic diseases. Last evaluated: 2025-01-01. Review status: criteria provided, single submitter. Criteria: Ambry Variant Classification Scheme 2023. Collection method: clinical testing. Allele origin: germline.

Labcorp Genetics (formerly Invitae), Labcorp
Classification: Uncertain significance. Last evaluated: 2024-08-28. Review status: criteria provided, single submitter. Criteria: Invitae Variant Classification Sherloc (09022015). Collection method: clinical testing. Allele origin: germline.
Comment: This sequence change replaces tyrosine, which is neutral and polar, with cysteine, which is neutral and slightly polar, at codon 280 of the CD2AP protein (p.Tyr280Cys). This variant is present in population databases (rs765702919, gnomAD 0.01%). This variant has not been reported in the literature in individuals affected with CD2AP-related conditions. ClinVar contains an entry for this variant (Variation ID: 2211246). Invitae Evidence Modeling of protein sequence and biophysical properties (such as structural, functional, and spatial information, amino acid conservation, physicochemical variation, residue mobility, and thermodynamic stability) indicates that this missense variant is expected to disrupt CD2AP protein function with a positive predictive value of 80%. In summary, the available evidence is currently insufficient to determine the role of this variant in disease. Therefore, it has been classified as a Variant of Uncertain Significance.